The following is an entry in ClinVar:

ClinVar aggregate classification (germline): Likely benign. Review status: criteria provided, multiple submitters, no conflicts (2 of 4 stars). 3 submissions from 3 submitters: Likely benign (2). 1 of the submissions does not count toward it. Last evaluated 2025-02-16.

Conditions:
PKD1-related disorder. Also called: PKD1-related condition.

Allele frequency attached by ClinVar (database versions not stated): TOPMed 0.00003; gnomAD exomes 0.00004; gnomAD 0.00010; ExAC 0.00020; 1000 Genomes Project 0.00080; 1000 Genomes Project 30x 0.00094.

Submissions (3):

Laboratory of Genetics, Children's Clinical University Hospital Latvia
Classification: Likely benign. Last evaluated: 2025-02-16. Review status: criteria provided, single submitter. Criteria: ACMG Guidelines, 2015. Collection method: clinical testing. Allele origin: germline. Affected: yes.

Blueprint Genetics
Classification: Likely benign. Last evaluated: 2024-08-30. Review status: criteria provided, single submitter. Criteria: ACMG Guidelines, 2015. Collection method: clinical testing. Allele origin: germline.

PreventionGenetics, part of Exact Sciences
Classification: Likely benign for PKD1-related condition. Last evaluated: 2019-04-01. Review status: no assertion criteria provided. Collection method: clinical testing. Allele origin: germline. Not counted in ClinVar's aggregate classification.
Comment: This variant is classified as likely benign based on ACMG/AMP sequence variant interpretation guidelines (Richards et al. 2015 PMID: 25741868, with internal and published modifications).

NM_001009944.3(PKD1):c.2238C>T (p.Asn746=)

Gene: PKD1 (polycystin 1, transient receptor potential channel interacting; minus strand). Cytogenetic location: 16p13.3.
Variant type: single nucleotide variant.
Coding change: c.2238C>T on transcript NM_001009944.3 (MANE Select); coding-DNA position 2238, C replaced by T.
Protein change: p.Asn746=; no amino-acid change (asparagine 746 retained).
Molecular consequence: synonymous variant.
Genome position (GRCh38, 1-based): chr16:2,114,785, G>A on the plus strand (C>T on the coding strand, the complement: PKD1 is on the minus strand). VCF-style: chr16-2114785-G-A. GRCh37 (hg19) VCF-style: chr16-2164786-G-A.
Other names: c.2238C>T, p.Asn746= (NM_000296.4).
Identifiers: ClinVar variation 3047770 (VCV003047770.4), dbSNP rs577204608, ClinGen allele CA7833251.